The following is an entry in ClinVar:

NM_001267550.2(TTN):c.52010G>A (p.Arg17337Gln)

Genes: TTN (titin; minus strand), TTN-AS1 (TTN antisense RNA 1; plus strand). Cytogenetic location: 2q31.2.
Variant type: single nucleotide variant.
Coding change: c.52010G>A on transcript NM_001267550.2 (MANE Select); coding-DNA position 52010, G replaced by A.
Protein change: p.Arg17337Gln; replaces arginine 17337 with glutamine.
Molecular consequence: missense variant.
Genome position (GRCh38, 1-based): chr2:178,609,300, C>T on the plus strand (G>A on the coding strand, the complement: TTN is on the minus strand). VCF-style: chr2-178609300-C-T. GRCh37 (hg19) VCF-style: chr2-179474027-C-T.
Other names: c.47087G>A, p.Arg15696Gln (NM_001256850.1); c.24815G>A, p.Arg8272Gln (NM_003319.4); c.44306G>A, p.Arg14769Gln (NM_133378.4); c.25190G>A, p.Arg8397Gln (NM_133432.3); c.25391G>A, p.Arg8464Gln (NM_133437.4); c.52010G>A (NM_001267550.1); short protein forms R17337Q, R8397Q, R8272Q, R8464Q, R14769Q, R15696Q.
Identifiers: ClinVar variation 535159 (VCV000535159.14), dbSNP rs775700218, ClinGen allele CA1994079.

ClinVar aggregate classification (germline): Uncertain significance. Review status: criteria provided, multiple submitters, no conflicts (2 of 4 stars). 5 submissions from 5 submitters: Uncertain significance (5). Last evaluated 2023-06-08.

Conditions:
Autosomal recessive limb-girdle muscular dystrophy type 2J (LGMDR10). Also called: Limb-girdle muscular dystrophy, type 2J; MUSCULAR DYSTROPHY, LIMB-GIRDLE, AUTOSOMAL RECESSIVE 10. Identifiers: Orphanet 140922, MedGen C1837342, MONDO:0012127, OMIM 608807.
Dilated cardiomyopathy 1G (CMD1G). Identifiers: Orphanet 154, MedGen C1858763, MONDO:0011400, OMIM 604145.

Allele frequency attached by ClinVar (database versions not stated): TOPMed 0.00001; gnomAD 0.00002 and 0.00003.
gnomAD v4.1: 42 of 1,601,316 alleles (0.0026%); highest among the groups gnomAD compares: Middle Eastern, 0.017%; no homozygotes.

Submissions (5):

GeneDx
Classification: Uncertain significance. Last evaluated: 2023-06-08. Review status: criteria provided, single submitter. Criteria: GeneDx Variant Classification Process June 2021. Collection method: clinical testing. Allele origin: germline. Affected: yes.
Comment: Located in the A-band region of TTN in which the majority of loss of function variants have been associated with autosomal dominant titinopathies (Herman et al., 2012); Not observed at significant frequency in large population cohorts (gnomAD); Missense variant in a gene in which most reported pathogenic variants are truncating/loss of function; Has not been previously published as pathogenic or benign to our knowledge; This variant is associated with the following publications: (PMID: 22335739)

Revvity Omics, Revvity
Classification: Uncertain significance. Last evaluated: 2021-02-25. Review status: criteria provided, single submitter. Criteria: ACMG Guidelines, 2015. Collection method: clinical testing. Allele origin: germline.

Athena Diagnostics
Classification: Uncertain significance. Last evaluated: 2020-10-27. Review status: criteria provided, single submitter. Criteria: Athena Diagnostics criteria. Collection method: clinical testing. Allele origin: unknown.

Labcorp Genetics (formerly Invitae), Labcorp
Classification: Uncertain significance for Dilated cardiomyopathy 1G; Autosomal recessive limb-girdle muscular dystrophy type 2J. Last evaluated: 2017-12-08. Review status: criteria provided, single submitter. Criteria: Invitae Variant Classification Sherloc (09022015). Collection method: clinical testing. Allele origin: germline.

Genetic Services Laboratory, University of Chicago
Classification: Uncertain significance. Last evaluated: 2017-11-13. Review status: criteria provided, single submitter. Criteria: ACMG Guidelines, 2015. Collection method: clinical testing. Allele origin: germline. Affected: no.